The following is an entry in ClinVar:

ClinVar aggregate classification (germline): Uncertain significance. Review status: criteria provided, multiple submitters, no conflicts (2 of 4 stars). 2 submissions from 2 submitters: Uncertain significance (2). Last evaluated 2024-12-17.

Conditions:
Hereditary cancer-predisposing syndrome. Also called: Tumor predisposition; Neoplastic Syndromes, Hereditary; Hereditary neoplastic syndrome; Hereditary Cancer Syndrome. Identifiers: Orphanet 140162, MedGen C0027672, MeSH D009386, MONDO:0015356.
Ataxia-telangiectasia syndrome (AT). Also called: Ataxia-telangiectasia, complementation group D; AT, COMPLEMENTATION GROUP C; ATAXIA-TELANGIECTASIA, COMPLEMENTATION GROUP A; ATAXIA-TELANGIECTASIA, FRESNO VARIANT; Ataxia-telangiectasia; Ataxia telangiectasia (A-T). Identifiers: Orphanet 100, MedGen C0004135, MONDO:0008840, OMIM 208900.

Submissions (2):

Ambry Genetics
Classification: Uncertain significance for Hereditary cancer-predisposing syndrome. Last evaluated: 2024-12-17. Review status: criteria provided, single submitter. Criteria: Ambry Variant Classification Scheme 2023. Collection method: clinical testing. Allele origin: germline.
Comment: The c.8314_8316delGGA variant (also known as p.G2772del) is located in coding exon 56 of the ATM gene. This variant results from an in-frame GGA deletion at nucleotide positions 8314 to 8316. This results in the in-frame deletion of a glycine at codon 2772. This amino acid position is highly conserved in available vertebrate species. In addition, this alteration is predicted to be deleterious by in silico analysis (Choi Y et al. PLoS ONE. 2012; 7(10):e46688). Based on the available evidence, the clinical significance of this variant remains unclear.

Labcorp Genetics (formerly Invitae), Labcorp
Classification: Uncertain significance for Ataxia-telangiectasia syndrome. Last evaluated: 2020-07-30. Review status: criteria provided, single submitter. Criteria: Invitae Variant Classification Sherloc (09022015). Collection method: clinical testing. Allele origin: germline.
Comment: In summary, the available evidence is currently insufficient to determine the role of this variant in disease. Therefore, it has been classified as a Variant of Uncertain Significance. Experimental studies and prediction algorithms are not available or were not evaluated, and the functional significance of this variant is currently unknown. This variant has not been reported in the literature in individuals with ATM-related conditions. This variant is not present in population databases (ExAC no frequency). This variant, c.8314_8316del, results in the deletion of 1 amino acid of the ATM protein (p.Gly2772del), but otherwise preserves the integrity of the reading frame.

NM_000051.4(ATM):c.8314_8316del (p.Gly2772del)

Genes: ATM (ATM serine/threonine kinase; plus strand), C11orf65 (chromosome 11 open reading frame 65; minus strand). Cytogenetic location: 11q22.3.
Variant type: Deletion.
Coding change: c.8314_8316del on transcript NM_000051.4 (MANE Select); coding-DNA positions 8314 to 8316, 3 bases deleted (GGA; older notation c.8314_8316delGGA).
Protein change: p.Gly2772del; deletes glycine 2772.
Molecular consequence: inframe deletion. On other transcripts: inframe indel (1), intron variant (2).
Genome position (GRCh38, 1-based): chr11:108,343,267-108,343,269, GGA deleted; deleting any 3 consecutive bases within chr11:108,343,266-108,343,269 gives the same sequence; the c. name uses the placement nearest the transcript's 3' end. VCF-style (leftmost placement, unchanged base first): chr11-108343265-CAGG-C. GRCh37 (hg19) VCF-style: chr11-108213992-CAGG-C.
Other names: c.8314_8316delGGA, p.Gly2772del (NM_000051.3); c.8314_8316del, p.Gly2772del (NM_001351834.2); c.641-34197_641-34195del (NM_001330368.2); c.695-7976_695-7974del (NM_001351110.2); short protein forms G2772del.
Identifiers: ClinVar variation 943150 (VCV000943150.12), dbSNP rs2087818644, ClinGen allele CA1139662196.
Genomic context (GRCh38, chr11:108,343,265, plus strand): 5'-TTAATCTGTAACTCCAGGTGGTTCCCCTCTCTCAGCGAAGTGGTGTTCTTGAATGGTGCA[CAGG>C]AACTGTCCCCATTGGTGAATTTCTTGTTAACAATGAAGATGGTGCTCATAAAAGATACAG-3'